The following is an entry in ClinVar:

ClinVar aggregate classification (germline): Likely benign (1 of 4 stars; one submission).

Submission:

CeGaT Center for Human Genetics Tuebingen
Classification: Likely benign. Last evaluated: 2026-04-01. Review status: criteria provided, single submitter. Criteria: CeGaT Center For Human Genetics Tuebingen Variant Classification Criteria Version 2. Collection method: clinical testing. Allele origin: germline. Affected: yes. Observed: 1 variant allele.
Comment: GLA: PM2:Supporting, BP4, BP7

NM_000169.3(GLA):c.195-1215A>G

Genes: GLA (galactosidase alpha; minus strand), RPL36A-HNRNPH2 (RPL36A-HNRNPH2 readthrough; plus strand). Cytogenetic location: Xq22.1.
Variant type: single nucleotide variant.
Coding change: c.195-1215A>G on transcript NM_000169.3 (MANE Select); 1215 bases into the intron before coding-DNA position 195, A replaced by G.
Molecular consequence: intron variant. On other transcripts: synonymous variant (2).
Genome position (GRCh38, 1-based): chrX:101,405,200, T>C on the plus strand (A>G on the coding strand, the complement: GLA is on the minus strand). VCF-style: chrX-101405200-T-C. GRCh37 (hg19) VCF-style: chrX-100660188-T-C.
Other names: c.228A>G, p.Val76= (NM_001406747.1, NM_001406749.1); c.301-6736T>C (NM_001199973.2); c.178-6736T>C (NM_001199974.2); c.195-1215A>G (NM_001406748.1).
Identifiers: ClinVar variation 4873910 (VCV004873910.2).